The following is an entry in ClinVar:

NM_020134.4(DPYSL5):c.1484dup (p.Asp495fs)

Gene: DPYSL5 (dihydropyrimidinase like 5; plus strand). Cytogenetic location: 2p23.3.
Variant type: Duplication.
Coding change: c.1484dup on transcript NM_020134.4 (MANE Select); coding-DNA position 1484, one base duplicated (A; older notation c.1484dupA).
Protein change: p.Asp495fs; shifts the reading frame from aspartic acid 495.
Molecular consequence: frameshift variant.
Genome position (GRCh38, 1-based): chr2:26,944,699, A duplicated. VCF-style (leftmost placement, unchanged base first): chr2-26944698-G-GA. GRCh37 (hg19) VCF-style: chr2-27167566-G-GA.
Other names: c.1484dup, p.Asp495fs (NM_001253723.2, NM_001253724.2); short protein forms D495fs.
Identifiers: ClinVar variation 3383828 (VCV003383828.1).

ClinVar aggregate classification (germline): Uncertain significance (1 of 4 stars; one submission).

Submission:

GeneDx
Classification: Uncertain significance. Last evaluated: 2024-06-01. Review status: criteria provided, single submitter. Criteria: GeneDx Variant Classification Process June 2021. Collection method: clinical testing. Allele origin: germline. Affected: yes.
Comment: Frameshift variant predicted to result in abnormal protein length as the last 70 amino acids are replaced with 47 different amino acids in a gene for which loss-of-function is not a known mechanism of disease; Not observed at significant frequency in large population cohorts (gnomAD); Has not been previously published as pathogenic or benign to our knowledge